The following is an entry in ClinVar:

NM_001365999.1(SZT2):c.2069G>A (p.Arg690Gln)

Gene: SZT2 (SZT2 subunit of KICSTOR complex; plus strand). Cytogenetic location: 1p34.2.
Variant type: single nucleotide variant.
Coding change: c.2069G>A on transcript NM_001365999.1 (MANE Select); coding-DNA position 2069, G replaced by A.
Protein change: p.Arg690Gln; replaces arginine 690 with glutamine.
Molecular consequence: missense variant.
Genome position (GRCh38, 1-based): chr1:43,423,130, G>A. VCF-style: chr1-43423130-G-A. GRCh37 (hg19) VCF-style: chr1-43888801-G-A.
Other names: c.2069G>A, p.Arg690Gln (NM_015284.4); short protein forms R690Q.
Identifiers: ClinVar variation 969499 (VCV000969499.10), dbSNP rs751741065, ClinGen allele CA808607.

ClinVar aggregate classification (germline): Conflicting classifications of pathogenicity. Review status: criteria provided, conflicting classifications (1 of 4 stars). 3 submissions from 3 submitters: Uncertain significance (2); Likely benign (1). Last evaluated 2022-09-07.

Conditions:
Inborn genetic diseases. Identifiers: MedGen C0950123, MeSH D030342.

Allele frequency attached by ClinVar (database versions not stated): gnomAD 0.00001; TOPMed 0.00002; gnomAD exomes 0.00004 and 0.00005; ExAC 0.00007.
gnomAD v4.1: 63 of 1,595,624 alleles (0.0039%); highest among the groups gnomAD compares: South Asian, 0.02%; no homozygotes.

Submissions (3):

Labcorp Genetics (formerly Invitae), Labcorp
Classification: Uncertain significance. Last evaluated: 2022-09-07. Review status: criteria provided, single submitter. Criteria: Invitae Variant Classification Sherloc (09022015). Collection method: clinical testing. Allele origin: germline.
Comment: This sequence change replaces arginine, which is basic and polar, with glutamine, which is neutral and polar, at codon 690 of the SZT2 protein (p.Arg690Gln). This variant is present in population databases (rs751741065, gnomAD 0.03%). This variant has not been reported in the literature in individuals affected with SZT2-related conditions. ClinVar contains an entry for this variant (Variation ID: 969499). Algorithms developed to predict the effect of missense changes on protein structure and function output the following: SIFT: "Tolerated"; PolyPhen-2: "Benign"; Align-GVGD: "Class C0". The glutamine amino acid residue is found in multiple mammalian species, which suggests that this missense change does not adversely affect protein function. In summary, the available evidence is currently insufficient to determine the role of this variant in disease. Therefore, it has been classified as a Variant of Uncertain Significance.

Ambry Genetics
Classification: Likely benign for Inborn genetic diseases. Last evaluated: 2022-05-26. Review status: criteria provided, single submitter. Criteria: Ambry Variant Classification Scheme 2023. Collection method: clinical testing. Allele origin: germline.

GeneDx
Classification: Uncertain significance. Last evaluated: 2019-06-24. Review status: criteria provided, single submitter. Criteria: GeneDx Variant Classification Process June 2021. Collection method: clinical testing. Allele origin: germline. Affected: yes.
Comment: In silico analysis, which includes protein predictors and evolutionary conservation, supports that this variant does not alter protein structure/function; Has not been previously published as pathogenic or benign to our knowledge